The following is an entry in ClinVar:

NM_015404.4(WHRN):c.763G>A (p.Gly255Ser)

Gene: WHRN (whirlin; minus strand). Cytogenetic location: 9q32.
Variant type: single nucleotide variant.
Coding change: c.763G>A on transcript NM_015404.4 (MANE Select); coding-DNA position 763, G replaced by A.
Protein change: p.Gly255Ser; replaces glycine 255 with serine.
Molecular consequence: missense variant. On other transcripts: 5 prime UTR variant (1).
Genome position (GRCh38, 1-based): chr9:114,478,627, C>T on the plus strand (G>A on the coding strand, the complement: WHRN is on the minus strand). VCF-style: chr9-114478627-C-T. GRCh37 (hg19) VCF-style: chr9-117240907-C-T.
Other names: c.-387G>A (NM_001083885.3); c.763G>A, p.Gly255Ser (NM_001173425.2); c.763G>A (NM_015404.2); short protein forms G255S.
Identifiers: ClinVar variation 1441682 (VCV001441682.8), dbSNP rs375934001, ClinGen allele CA5206200.

ClinVar aggregate classification (germline): Uncertain significance. Review status: criteria provided, multiple submitters, no conflicts (2 of 4 stars). 2 submissions from 2 submitters: Uncertain significance (2). Last evaluated 2026-01-29.

Allele frequency attached by ClinVar (database versions not stated): TOPMed 0.00003; ExAC 0.00004; gnomAD 0.00004 and 0.00011; gnomAD exomes 0.00004; ESP Exome Variant Server 0.00008.
gnomAD v4.1: 69 of 1,613,934 alleles (0.0043%); highest among the groups gnomAD compares: East Asian, 0.016%; no homozygotes.

Submissions (2):

GeneDx
Classification: Uncertain significance. Last evaluated: 2026-01-29. Review status: criteria provided, single submitter. Criteria: GeneDx Variant Classification Process June 2021. Collection method: clinical testing. Allele origin: germline.
Comment: Not observed at significant frequency in large population cohorts (gnomAD); In silico analysis suggests that this missense variant does not alter protein structure/function; Has not been previously published as pathogenic or benign to our knowledge

Labcorp Genetics (formerly Invitae), Labcorp
Classification: Uncertain significance. Last evaluated: 2023-04-24. Review status: criteria provided, single submitter. Criteria: Invitae Variant Classification Sherloc (09022015). Collection method: clinical testing. Allele origin: germline.
Comment: ClinVar contains an entry for this variant (Variation ID: 1441682). In summary, the available evidence is currently insufficient to determine the role of this variant in disease. Therefore, it has been classified as a Variant of Uncertain Significance. Algorithms developed to predict the effect of missense changes on protein structure and function output the following: SIFT: "Not Available"; PolyPhen-2: "Benign"; Align-GVGD: "Not Available". The serine amino acid residue is found in multiple mammalian species, which suggests that this missense change does not adversely affect protein function. This variant has not been reported in the literature in individuals affected with WHRN-related conditions. This variant is present in population databases (rs375934001, gnomAD 0.007%). This sequence change replaces glycine, which is neutral and non-polar, with serine, which is neutral and polar, at codon 255 of the WHRN protein (p.Gly255Ser).